The following is an entry in ClinVar:

ClinVar aggregate classification (germline): Conflicting classifications of pathogenicity. Review status: criteria provided, conflicting classifications (1 of 4 stars). 7 submissions from 7 submitters: Uncertain significance (3); Likely benign (2). 2 of the submissions do not count toward it. Last evaluated 2026-01-13.

Conditions:
Cardiovascular phenotype. Identifiers: MedGen CN230736.
Lethal acantholytic epidermolysis bullosa (EBLA). Identifiers: Orphanet 158687, MedGen C1864826, MONDO:0012323, OMIM 609638.
Arrhythmogenic cardiomyopathy with wooly hair and keratoderma. Also called: Carvajal syndrome; Dilated cardiomyopathy with woolly hair and keratoderma; Arrhythmogenic cardiomyopathy with woolly hair and keratoderma; PALMOPLANTAR KERATODERMA WITH LEFT VENTRICULAR CARDIOMYOPATHY AND WOOLLY HAIR. Identifiers: Orphanet 65282, MedGen C1854063, MONDO:0011581, OMIM 605676.
Keratosis palmoplantaris striata 2. Also called: KERATODERMA, PALMOPLANTAR, STRIATE FORM II; STRIATE PALMOPLANTAR KERATODERMA II; Keratosis palmoplantaris striata II. Identifiers: MedGen C1852127, MONDO:0013034, OMIM 612908.
Arrhythmogenic right ventricular dysplasia 8 (ARVD8). Also called: Arrhythmogenic Right Ventricular Dysplasia/Cardiomyopathy 8; ARRHYTHMOGENIC RIGHT VENTRICULAR CARDIOMYOPATHY 8; ARRHYTHMOGENIC RIGHT VENTRICULAR DYSPLASIA, FAMILIAL, 8. Identifiers: MedGen C1843896, MONDO:0011831, OMIM 607450.
Cardiomyopathy, dilated, with wooly hair, keratoderma, and tooth agenesis. Also called: Cardiomyopathy, dilated, with woolly hair, keratoderma, and tooth agenesis; Erythrokeratodermia-cardiomyopathy syndrome. Identifiers: Orphanet 476096, Orphanet 65282, MedGen C4014393, MONDO:0014355, OMIM 615821.
Woolly hair-skin fragility syndrome (WHSF). Identifiers: Orphanet 293165, MedGen C1843292, MONDO:0957307, OMIM 620415.
Cardiomyopathy (CMYO). Also called: Cardiomyopathies. Identifiers: Orphanet 167848, MedGen C0878544, MONDO:0004994, HP:0001638. Inheritance: Various modes of inheritance.

Allele frequency attached by ClinVar (database versions not stated): ExAC 0.00003; gnomAD 0.00004; gnomAD exomes 0.00004; TOPMed 0.00005.
gnomAD v4.1: 117 of 1,614,026 alleles (0.0072%); highest among the groups gnomAD compares: Middle Eastern, 0.033%; no homozygotes.

Submissions (7):

Labcorp Genetics (formerly Invitae), Labcorp
Classification: Likely benign for Arrhythmogenic cardiomyopathy with wooly hair and keratoderma; Arrhythmogenic right ventricular dysplasia 8. Last evaluated: 2026-01-13. Review status: criteria provided, single submitter. Criteria: Invitae Variant Classification Sherloc (09022015). Collection method: clinical testing. Allele origin: germline.

Color Diagnostics, LLC DBA Color Health
Classification: Uncertain significance for Cardiomyopathy. Last evaluated: 2025-11-20. Review status: criteria provided, single submitter. Criteria: ACMG Guidelines, 2015. Collection method: clinical testing. Allele origin: germline.
Comment: This missense variant replaces arginine with glutamine at codon 1666 of the DSP protein. Computational prediction suggests that this variant may not impact protein structure and function. To our knowledge, functional studies have not been reported for this variant. This variant has been reported in an individual affected with hypertrophic cardiomyopathy (PMID: 25351510) and in another individual affected with dilated cardiomyopathy (PMID: 30165862). This variant has been identified in 117/1614026 chromosomes in the general population by the Genome Aggregation Database (gnomAD). The available evidence is insufficient to determine the role of this variant in disease conclusively. Therefore, this variant is classified as a Variant of Uncertain Significance.

GeneDx
Classification: Uncertain significance. Last evaluated: 2025-10-30. Review status: criteria provided, single submitter. Criteria: GeneDx Variant Classification Process June 2021. Collection method: clinical testing. Allele origin: germline. Affected: yes.
Comment: Identified in a patient with dilated cardiomyopathy in published literature (PMID: 30165862); In silico analysis suggests that this missense variant does not alter protein structure/function; This variant is associated with the following publications: (PMID: 30165862, 25351510)

Ambry Genetics
Classification: Likely benign for Cardiovascular phenotype. Last evaluated: 2024-05-17. Review status: criteria provided, single submitter. Criteria: Ambry Variant Classification Scheme 2023. Collection method: clinical testing. Allele origin: germline.

Fulgent Genetics
Classification: Uncertain significance for Arrhythmogenic cardiomyopathy with wooly hair and keratoderma; Arrhythmogenic right ventricular dysplasia 8; Lethal acantholytic epidermolysis bullosa; Keratosis palmoplantaris striata 2; Cardiomyopathy, dilated, with wooly hair, keratoderma, and tooth agenesis. Last evaluated: 2021-07-23. Review status: criteria provided, single submitter. Criteria: ACMG Guidelines, 2015. Collection method: clinical testing. Allele origin: unknown.

Clinical Genetics DNA and cytogenetics Diagnostics Lab, Erasmus MC, Erasmus Medical Center
Classification: Likely benign. Review status: no assertion criteria provided. Collection method: clinical testing. Allele origin: germline. Affected: yes. Study: VKGL Data-share Consensus. Not counted in ClinVar's aggregate classification.

Joint Genome Diagnostic Labs from Nijmegen and Maastricht, Radboudumc and MUMC+
Classification: Likely benign. Review status: no assertion criteria provided. Collection method: clinical testing. Allele origin: germline. Affected: yes. Study: VKGL Data-share Consensus. Not counted in ClinVar's aggregate classification.

Literature cited by the submitters: PubMed 25351510 (cited by Color Diagnostics, LLC DBA Color Health and Ambry Genetics); PubMed 30165862 (cited by Color Diagnostics, LLC DBA Color Health and Ambry Genetics).

NM_004415.4(DSP):c.4997G>A (p.Arg1666Gln)

Gene: DSP (desmoplakin; plus strand). Cytogenetic location: 6p24.3.
Variant type: single nucleotide variant.
Coding change: c.4997G>A on transcript NM_004415.4 (MANE Select); coding-DNA position 4997, G replaced by A.
Protein change: p.Arg1666Gln; replaces arginine 1666 with glutamine.
Molecular consequence: missense variant. On other transcripts: intron variant (2).
Genome position (GRCh38, 1-based): chr6:7,581,187, G>A. VCF-style: chr6-7581187-G-A. GRCh37 (hg19) VCF-style: chr6-7581420-G-A.
Other names: p.R1666Q:CGG>CAG; c.4997G>A (LRG_423t1); c.4050+947G>A (NM_001319034.2); c.3582+1415G>A (NM_001008844.3); short protein forms R1666Q.
Identifiers: ClinVar variation 199841 (VCV000199841.27), dbSNP rs768577891, ClinGen allele CA004229.
Genomic context (GRCh38, chr6:7,581,187, plus strand): 5'-AAAAGCAGAGGACCCAGGAAGAGCTGAGGAGGCTCTCTTCTGAGGTCGAGGCCCTGAGGC[G>A]GCAGTTACTCCAGGAACAGGAAAGTGTCAAACAAGCTCACTTGAGGAATGAGCATTTCCA-3'
Protein context (NP_004406.2, residues 1656-1676): RLSSEVEALR[Arg1666Gln]QLLQEQESVK